The following is an entry in ClinVar:

ClinVar aggregate classification (germline): Uncertain significance (1 of 4 stars; one submission).

Conditions:
Autosomal recessive severe congenital neutropenia due to CSF3R deficiency. Also called: Neutropenia, severe congenital, 7, autosomal recessive. Identifiers: Orphanet 420702, MedGen C4310764, MONDO:0014865, OMIM 617014.

gnomAD v4.1: 29 of 1,614,086 alleles (0.0018%); highest among the groups gnomAD compares: Non-Finnish European, 0.0023%; no homozygotes.

Submission:

Labcorp Genetics (formerly Invitae), Labcorp
Classification: Uncertain significance for Autosomal recessive severe congenital neutropenia due to CSF3R deficiency. Last evaluated: 2025-10-29. Review status: criteria provided, single submitter. Criteria: Invitae Variant Classification Sherloc (09022015). Collection method: clinical testing. Allele origin: germline.
Comment: This sequence change replaces proline, which is neutral and non-polar, with histidine, which is basic and polar, at codon 456 of the CSF3R protein (p.Pro456His). This variant is present in population databases (rs199774481, gnomAD 0.002%). This variant has not been reported in the literature in individuals affected with CSF3R-related conditions. Invitae Evidence Modeling of protein sequence and biophysical properties (such as structural, functional, and spatial information, amino acid conservation, physicochemical variation, residue mobility, and thermodynamic stability) indicates that this missense variant is expected to disrupt CSF3R protein function with a positive predictive value of 80%. In summary, the available evidence is currently insufficient to determine the role of this variant in disease. Therefore, it has been classified as a Variant of Uncertain Significance.

NM_000760.4(CSF3R):c.1367C>A (p.Pro456His)

Gene: CSF3R (colony stimulating factor 3 receptor; minus strand). Cytogenetic location: 1p34.3.
Variant type: single nucleotide variant.
Coding change: c.1367C>A on transcript NM_000760.4 (MANE Select); coding-DNA position 1367, C replaced by A.
Protein change: p.Pro456His; replaces proline 456 with histidine.
Molecular consequence: missense variant.
Genome position (GRCh38, 1-based): chr1:36,469,759, G>T on the plus strand (C>A on the coding strand, the complement: CSF3R is on the minus strand). VCF-style: chr1-36469759-G-T. GRCh37 (hg19) VCF-style: chr1-36935360-G-T.
Other names: c.1367C>A, p.Pro456His (NM_156039.3, NM_172313.3); short protein forms P456H.
Identifiers: ClinVar variation 4748190 (VCV004748190.1).